The following is an entry in ClinVar:

ClinVar aggregate classification (germline): Uncertain significance (1 of 4 stars; one submission).

Conditions:
Cardiovascular phenotype. Identifiers: MedGen CN230736.

Submission:

Ambry Genetics
Classification: Uncertain significance for Cardiovascular phenotype. Last evaluated: 2021-11-15. Review status: criteria provided, single submitter. Criteria: Ambry Variant Classification Scheme 2023. Collection method: clinical testing. Allele origin: germline.
Comment: The c.581_582ins16 variant, located in coding exon 6 of the MAT2A gene, results from an insertion of 16 nucleotides at position 581, causing a translational frameshift with a predicted alternate stop codon (p.L196Yfs*20). This alteration is expected to result in loss of function by premature protein truncation or nonsense-mediated mRNA decay. However, the evidence for this gene-disease relationship is limited; therefore, the clinical significance of this alteration is unclear.

NM_005911.6(MAT2A):c.581_582insAGTATATGCAGGACTC (p.Leu196fs)

Genes: GGCX (gamma-glutamyl carboxylase; minus strand), MAT2A (methionine adenosyltransferase 2A; plus strand). Cytogenetic location: 2p11.2.
Variant type: Insertion.
Coding change: c.581_582insAGTATATGCAGGACTC on transcript NM_005911.6 (MANE Select); coding-DNA positions 581 to 582, AGTATATGCAGGACTC inserted.
Protein change: p.Leu196fs; shifts the reading frame from leucine 196.
Molecular consequence: frameshift variant.
Genome position: GRCh38 VCF-style: chr2-85542185-G-GCAGTATATGCAGGACT. GRCh37 (hg19) VCF-style: chr2-85769308-G-GCAGTATATGCAGGACT.
Other names: short protein forms L196fs.
Identifiers: ClinVar variation 1749846 (VCV001749846.2), dbSNP rs2529631863, ClinGen allele CA2580068242.